The following is an entry in ClinVar:

NM_033215.5(PPP1R3F):c.711C>T (p.Gly237=)

Gene: PPP1R3F (protein phosphatase 1 regulatory subunit 3F; plus strand). Cytogenetic location: Xp11.23.
Variant type: single nucleotide variant.
Coding change: c.711C>T on transcript NM_033215.5 (MANE Select); coding-DNA position 711, C replaced by T.
Protein change: p.Gly237=; no amino-acid change (glycine 237 retained).
Molecular consequence: synonymous variant. On other transcripts: intron variant (1).
Genome position (GRCh38, 1-based): chrX:49,270,580, C>T. VCF-style: chrX-49270580-C-T. GRCh37 (hg19) VCF-style: chrX-49127043-C-T.
Other names: c.-32+647C>T (NM_001184745.2).
Identifiers: ClinVar variation 4821080 (VCV004821080.4).
Genomic context (GRCh38, chrX:49,270,580, plus strand): 5'-CCTGGATCCGGGGCTCGGCCTGGGTCCCGGCCAGGCATCCGCCTCCTCGCCCGACGACGG[C>T]GGCCGCACCGACCGCTTTGCCTTCCAGCTGCCCTTTGCTGAGGGCGCGGGCGATGGGGCG-3'
Protein context (NP_149992.3, residues 227-247): GQASASSPDD[Gly237=]GRTDRFAFQL

ClinVar aggregate classification (germline): Likely benign (1 of 4 stars; one submission).

Submission:

CeGaT Center for Human Genetics Tuebingen
Classification: Likely benign. Last evaluated: 2026-03-01. Review status: criteria provided, single submitter. Criteria: CeGaT Center For Human Genetics Tuebingen Variant Classification Criteria Version 2. Collection method: clinical testing. Allele origin: germline. Affected: yes. Observed: 1 variant allele.
Comment: PPP1R3F: BP4, BP7, BS2